The following is an entry in ClinVar:

NM_001903.5(CTNNA1):c.280G>A (p.Val94Ile)

Gene: CTNNA1 (catenin alpha 1; plus strand). Cytogenetic location: 5q31.2.
Variant type: single nucleotide variant.
Coding change: c.280G>A on transcript NM_001903.5 (MANE Select); coding-DNA position 280, G replaced by A.
Protein change: p.Val94Ile; replaces valine 94 with isoleucine.
Molecular consequence: missense variant. On other transcripts: intron variant (2).
Genome position (GRCh38, 1-based): chr5:138,783,351, G>A. VCF-style: chr5-138783351-G-A. GRCh37 (hg19) VCF-style: chr5-138119040-G-A.
Other names: c.280G>A, p.Val94Ile (NM_001290307.3, NM_001323982.2, NM_001323983.1 and 3 more transcripts); c.-6+79G>A (NM_001290310.3); c.-9+1322G>A (NM_001290309.3); short protein forms V94I.
Identifiers: ClinVar variation 947111 (VCV000947111.13), dbSNP rs1755342159, ClinGen allele CA361477675.

ClinVar aggregate classification (germline): Uncertain significance. Review status: criteria provided, multiple submitters, no conflicts (2 of 4 stars). 2 submissions from 2 submitters: Uncertain significance (2). Last evaluated 2025-06-03.

Conditions:
Hereditary cancer-predisposing syndrome. Also called: Hereditary neoplastic syndrome; Neoplastic Syndromes, Hereditary; Tumor predisposition; Hereditary Cancer Syndrome. Identifiers: Orphanet 140162, MedGen C0027672, MeSH D009386, MONDO:0015356.

Allele frequency attached by ClinVar (database versions not stated): gnomAD exomes below 0.00001.
gnomAD v4.1: 3 of 1,613,642 alleles (0.00019%); highest among the groups gnomAD compares: South Asian, 0.0011%; no homozygotes.

Submissions (2):

Labcorp Genetics (formerly Invitae), Labcorp
Classification: Uncertain significance. Last evaluated: 2025-06-03. Review status: criteria provided, single submitter. Criteria: Invitae Variant Classification Sherloc (09022015). Collection method: clinical testing. Allele origin: germline.
Comment: This sequence change replaces valine, which is neutral and non-polar, with isoleucine, which is neutral and non-polar, at codon 94 of the CTNNA1 protein (p.Val94Ile). This variant is not present in population databases (gnomAD no frequency). This variant has not been reported in the literature in individuals affected with CTNNA1-related conditions. ClinVar contains an entry for this variant (Variation ID: 947111). Invitae Evidence Modeling of protein sequence and biophysical properties (such as structural, functional, and spatial information, amino acid conservation, physicochemical variation, residue mobility, and thermodynamic stability) indicates that this missense variant is not expected to disrupt CTNNA1 protein function with a negative predictive value of 80%. In summary, the available evidence is currently insufficient to determine the role of this variant in disease. Therefore, it has been classified as a Variant of Uncertain Significance.

Ambry Genetics
Classification: Uncertain significance for Hereditary cancer-predisposing syndrome. Last evaluated: 2025-01-07. Review status: criteria provided, single submitter. Criteria: Ambry Variant Classification Scheme 2023. Collection method: clinical testing. Allele origin: germline.
Comment: The p.V94I variant (also known as c.280G>A), located in coding exon 2 of the CTNNA1 gene, results from a G to A substitution at nucleotide position 280. The valine at codon 94 is replaced by isoleucine, an amino acid with highly similar properties. This amino acid position is highly conserved in available vertebrate species. In addition, this alteration is predicted to be tolerated by in silico analysis. The evidence for this gene-disease relationship is limited; therefore, the clinical significance of this alteration is unclear.